The following is an entry in ClinVar:

ClinVar aggregate classification (germline): Uncertain significance. Review status: criteria provided, multiple submitters, no conflicts (2 of 4 stars). 2 submissions from 2 submitters: Uncertain significance (2). Last evaluated 2023-02-23.

Allele frequency attached by ClinVar (database versions not stated): ExAC 0.00003; gnomAD 0.00006; gnomAD exomes 0.00009; TOPMed 0.00011.
gnomAD v4.1: 141 of 1,610,716 alleles (0.0088%); highest among the groups gnomAD compares: Middle Eastern, 0.033%; no homozygotes.

Submissions (2):

Ambry Genetics
Classification: Uncertain significance. Last evaluated: 2023-02-23. Review status: criteria provided, single submitter. Criteria: Ambry Variant Classification Scheme 2023. Collection method: clinical testing. Allele origin: germline.

Labcorp Genetics (formerly Invitae), Labcorp
Classification: Uncertain significance. Last evaluated: 2022-07-19. Review status: criteria provided, single submitter. Criteria: Invitae Variant Classification Sherloc (09022015). Collection method: clinical testing. Allele origin: germline.
Comment: In summary, the available evidence is currently insufficient to determine the role of this variant in disease. Therefore, it has been classified as a Variant of Uncertain Significance. Algorithms developed to predict the effect of missense changes on protein structure and function (SIFT, PolyPhen-2, Align-GVGD) all suggest that this variant is likely to be disruptive. This variant has not been reported in the literature in individuals affected with KANK2-related conditions. The frequency data for this variant in the population databases is considered unreliable, as metrics indicate poor data quality at this position in the gnomAD database. This sequence change replaces glycine, which is neutral and non-polar, with arginine, which is basic and polar, at codon 750 of the KANK2 protein (p.Gly750Arg).

NM_001136191.3(KANK2):c.2248G>A (p.Gly750Arg)

Gene: KANK2 (KN motif and ankyrin repeat domains 2; minus strand). Cytogenetic location: 19p13.2.
Variant type: single nucleotide variant.
Coding change: c.2248G>A on transcript NM_001136191.3 (MANE Select); coding-DNA position 2248, G replaced by A.
Protein change: p.Gly750Arg; replaces glycine 750 with arginine.
Molecular consequence: missense variant.
Genome position (GRCh38, 1-based): chr19:11,170,212, C>T on the plus strand (G>A on the coding strand, the complement: KANK2 is on the minus strand). VCF-style: chr19-11170212-C-T. GRCh37 (hg19) VCF-style: chr19-11280888-C-T.
Other names: c.2248G>A, p.Gly750Arg (NM_001329451.2, NM_001379555.1, NM_001379556.1 and 7 more transcripts); c.2272G>A, p.Gly758Arg (NM_001379548.1, NM_001379549.1, NM_001379550.1 and 5 more transcripts); c.2272G>A (NM_015493.6); short protein forms G750R, G758R.
Identifiers: ClinVar variation 2167319 (VCV002167319.6), dbSNP rs778884324, ClinGen allele CA9205319.